The following is an entry in ClinVar:

NC_000001.10:g.(?_1735838)_(1736040_?)del

Gene: GNB1 (G protein subunit beta 1; minus strand). Cytogenetic location: 1p36.33.
Variant type: Deletion.
Identifiers: ClinVar variation 2424352 (VCV002424352.4).

ClinVar aggregate classification (germline): Uncertain significance (1 of 4 stars; one submission).

Submission:

Labcorp Genetics (formerly Invitae), Labcorp
Classification: Uncertain significance. Last evaluated: 2023-07-10. Review status: criteria provided, single submitter. Criteria: Invitae Variant Classification Sherloc (09022015). Collection method: clinical testing. Allele origin: germline.
Comment: This variant is a gross deletion of the genomic region encompassing exon(s) 7 of the GNB1 gene. This deletion is out-of-frame, and is expected to create a premature translational stop signal and result in an absent or disrupted protein product. However, the current clinical and genetic evidence is not sufficient to establish whether loss-of-function variants in GNB1 cause disease. This variant has not been reported in the literature in individuals affected with GNB1-related conditions. In summary, the available evidence is currently insufficient to determine the role of this variant in disease. Therefore, it has been classified as a Variant of Uncertain Significance.